The following is an entry in ClinVar:

NM_206933.4(USH2A):c.10759C>T (p.Gln3587Ter)

Gene: USH2A (usherin; minus strand). Cytogenetic location: 1q41.
Variant type: single nucleotide variant.
Coding change: c.10759C>T on transcript NM_206933.4 (MANE Select); coding-DNA position 10759, C replaced by T.
Protein change: p.Gln3587Ter; replaces glutamine 3587 with a stop codon.
Molecular consequence: nonsense.
Genome position (GRCh38, 1-based): chr1:215,780,023, G>A on the plus strand (C>T on the coding strand, the complement: USH2A is on the minus strand). VCF-style: chr1-215780023-G-A. GRCh37 (hg19) VCF-style: chr1-215953365-G-A.
Other names: short protein forms Q3587*.
Identifiers: ClinVar variation 48357 (VCV000048357.54), dbSNP rs111033418, ClinGen allele CA262064.
Genomic context (GRCh38, chr1:215,780,023, plus strand): 5'-GCAGAGCCACTGCACTTAGGGCTGTGATGCTTGGTGGCAGGATGCTCTCCGGAACTCCTT[G>A]GGTAGTAGCTGCAACTACCTGAAGACGTAGGAATTAAGCAGCAATTTATTGTAATAGTGC-3'

ClinVar aggregate classification (germline): Pathogenic/Likely pathogenic. Review status: criteria provided, multiple submitters, no conflicts (2 of 4 stars). 11 submissions from 10 submitters: Pathogenic (7); Likely pathogenic (3). 1 of the submissions does not count toward it. Last evaluated 2024-08-13.

Conditions:
USH2A-related disorder. Also called: USH2A-related disorders; USH2A-related condition. Identifiers: MedGen CN239332.
Rare genetic deafness. Identifiers: Orphanet 96210, MedGen C5680250.
Retinitis pigmentosa 39 (RP39). Identifiers: Orphanet 791, MedGen C3151138, MONDO:0013436, OMIM 613809.
Usher syndrome type 2A. Also called: USHER SYNDROME, TYPE IIA; RETINAL DISEASE IN USHER SYNDROME TYPE IIA, MODIFIER OF. Identifiers: Orphanet 231178, Orphanet 886, MedGen C1848634, MONDO:0010169, OMIM 276901.

Allele frequency attached by ClinVar (database versions not stated): gnomAD exomes below 0.00001.
gnomAD v4.1: 5 of 1,614,084 alleles (0.00031%); highest among the groups gnomAD compares: Non-Finnish European, 0.00042%; no homozygotes.

Submissions (11):

Labcorp Genetics (formerly Invitae), Labcorp
Classification: Pathogenic. Last evaluated: 2024-08-13. Review status: criteria provided, single submitter. Criteria: Invitae Variant Classification Sherloc (09022015). Collection method: clinical testing. Allele origin: germline.
Comment: This sequence change creates a premature translational stop signal (p.Gln3587*) in the USH2A gene. It is expected to result in an absent or disrupted protein product. Loss-of-function variants in USH2A are known to be pathogenic (PMID: 10729113, 10909849, 20507924, 25649381). This variant is not present in population databases (gnomAD no frequency). This premature translational stop signal has been observed in individuals with Usher syndrome (PMID: 22004887, 28944237). ClinVar contains an entry for this variant (Variation ID: 48357). For these reasons, this variant has been classified as Pathogenic.

Blueprint Genetics
Classification: Pathogenic for USH2A-related disorders. Last evaluated: 2024-07-23. Review status: criteria provided, single submitter. Criteria: ACMG Guidelines, 2015. Collection method: clinical testing. Allele origin: germline. Affected: yes. Observed: 2 variant alleles.

Natera, Inc.
Classification: Pathogenic for Usher syndrome type 2A. Last evaluated: 2024-04-17. Review status: criteria provided, single submitter. Criteria: Natera Variant Classification Schema (03/2026). Collection method: clinical testing. Allele origin: germline.
Comment: The c.10759C>T variant in USH2A is a nonsense variant predicted to introduce a stop codon at amino acid 3587. This variant is expected to result in nonsense mediated decay, truncation, or a dysfunctional protein product. This variant is rare in the general population with a frequency below the threshold expected for the associated phenotype(s). This variant has been observed in one or more individuals affected with the associated recessive disease, as either homozygous or compound heterozygous with a second variant (PMID: 22004887, 24944099). Given the available evidence, this variant is classified as Pathogenic.

Genome-Nilou Lab
Classification: Likely pathogenic for Retinitis pigmentosa 39. Last evaluated: 2023-11-04. Review status: criteria provided, single submitter. Criteria: ACMG Guidelines, 2015. Collection method: clinical testing. Allele origin: germline. Affected: no.

Genome-Nilou Lab
Classification: Likely pathogenic for Usher syndrome type 2A. Last evaluated: 2023-11-04. Review status: criteria provided, single submitter. Criteria: ACMG Guidelines, 2015. Collection method: clinical testing. Allele origin: germline. Affected: no.

Baylor Genetics
Classification: Pathogenic for Retinitis pigmentosa 39. Last evaluated: 2023-08-01. Review status: criteria provided, single submitter. Criteria: ACMG Guidelines, 2015. Collection method: clinical testing. Allele origin: unknown.

CeGaT Center for Human Genetics Tuebingen
Classification: Pathogenic. Last evaluated: 2021-04-01. Review status: criteria provided, single submitter. Criteria: CeGaT Center For Human Genetics Tuebingen Variant Classification Criteria Version 2. Collection method: clinical testing. Allele origin: germline. Affected: yes. Observed: 1 variant allele.

Institute of Medical Genetics and Applied Genomics, University Hospital Tübingen
Classification: Pathogenic. Last evaluated: 2020-10-23. Review status: criteria provided, single submitter. Criteria: ACMG Guidelines, 2015. Collection method: clinical testing. Allele origin: germline. Inheritance: Autosomal recessive inheritance. Affected: yes.

GeneDx
Classification: Pathogenic. Last evaluated: 2017-11-07. Review status: criteria provided, single submitter. Criteria: GeneDx Variant Classification (06012015). Collection method: clinical testing. Allele origin: germline. Affected: yes.
Comment: The Q3587X nonsense variant has been reported previously in association with Usher syndrome (Garcia-Garcia et al., 2011; Neuhaus et al., 2017). This variant is predicted to cause loss of normal protein function either through protein truncation or nonsense-mediated mRNA decay. The variant is not observed in large population cohorts (Lek et al., 2016). We interpret Q3587X as a pathogenic variant.

Laboratory for Molecular Medicine, Mass General Brigham Personalized Medicine
Classification: Likely pathogenic for Rare genetic deafness. Last evaluated: 2009-05-12. Review status: criteria provided, single submitter. Criteria: LMM Criteria. Collection method: clinical testing. Allele origin: germline. Observed: 1 variant allele.

Counsyl
Classification: Pathogenic for Usher syndrome type 2A; Retinitis pigmentosa 39. Last evaluated: 2017-10-06. Review status: no assertion criteria provided. Collection method: clinical testing. Allele origin: unknown. Not counted in ClinVar's aggregate classification.

Literature cited by the submitters: PubMed 10729113 (cited by Labcorp Genetics (formerly Invitae), Labcorp); PubMed 10909849 (cited by Labcorp Genetics (formerly Invitae), Labcorp); PubMed 20507924 (cited by Labcorp Genetics (formerly Invitae), Labcorp); PubMed 25649381 (cited by Labcorp Genetics (formerly Invitae), Labcorp); PubMed 22004887 (cited by Labcorp Genetics (formerly Invitae), Labcorp and Natera, Inc.); PubMed 28944237 (cited by Labcorp Genetics (formerly Invitae), Labcorp); PubMed 24944099 (cited by Natera, Inc. and Counsyl).